The following is an entry in ClinVar:

NM_001199107.2(TBC1D24):c.656A>G (p.Glu219Gly)

Gene: TBC1D24 (TBC1 domain family member 24; plus strand). Cytogenetic location: 16p13.3.
Variant type: single nucleotide variant.
Coding change: c.656A>G on transcript NM_001199107.2 (MANE Select); coding-DNA position 656, A replaced by G.
Protein change: p.Glu219Gly; replaces glutamic acid 219 with glycine.
Molecular consequence: missense variant.
Genome position (GRCh38, 1-based): chr16:2,496,804, A>G. VCF-style: chr16-2496804-A-G. GRCh37 (hg19) VCF-style: chr16-2546805-A-G.
Other names: c.656A>G, p.Glu219Gly (NM_020705.3); short protein forms E219G.
Identifiers: ClinVar variation 3749294 (VCV003749294.2).

ClinVar aggregate classification (germline): Uncertain significance (1 of 4 stars; one submission).

Conditions:
Autosomal dominant nonsyndromic hearing loss 65. Also called: Deafness, autosomal dominant 65; TBC1D24-Related Autosomal Dominant Nonsyndromic Hearing Loss (DFNA). Identifiers: Orphanet 90635, MedGen C3892048, MONDO:0014470, OMIM 616044.
Developmental and epileptic encephalopathy, 1 (DEE1). Also called: INFANTILE SPASM SYNDROME, X-LINKED 1; X-linked infantile spasms; West's syndrome; Tonic spasms with clustering, arrest of psychomotor development and hypsarrhythmia on EEG; X-Linked Infantile Spasm Syndrome; OHTAHARA SYNDROME, X-LINKED. Identifiers: MedGen C3463992, MONDO:0010632, OMIM 308350. Disease mechanism: loss of function.

gnomAD v4.1: 3 of 1,613,764 alleles (0.00019%); highest among the groups gnomAD compares: Non-Finnish European, 0.00017%; no homozygotes.

Submission:

Labcorp Genetics (formerly Invitae), Labcorp
Classification: Uncertain significance for Developmental and epileptic encephalopathy, 1; Autosomal dominant nonsyndromic hearing loss 65. Last evaluated: 2024-12-17. Review status: criteria provided, single submitter. Criteria: Invitae Variant Classification Sherloc (09022015). Collection method: clinical testing. Allele origin: germline.
Comment: This sequence change replaces glutamic acid, which is acidic and polar, with glycine, which is neutral and non-polar, at codon 219 of the TBC1D24 protein (p.Glu219Gly). This variant is not present in population databases (gnomAD no frequency). This variant has not been reported in the literature in individuals affected with TBC1D24-related conditions. Invitae Evidence Modeling of protein sequence and biophysical properties (such as structural, functional, and spatial information, amino acid conservation, physicochemical variation, residue mobility, and thermodynamic stability) indicates that this missense variant is not expected to disrupt TBC1D24 protein function with a negative predictive value of 95%. In summary, the available evidence is currently insufficient to determine the role of this variant in disease. Therefore, it has been classified as a Variant of Uncertain Significance.